The following is an entry in ClinVar:

ClinVar aggregate classification (germline): Conflicting classifications of pathogenicity. Review status: criteria provided, conflicting classifications (1 of 4 stars). 2 submissions from 2 submitters: Uncertain significance (1); Likely benign (1). Last evaluated 2026-02-22.

Conditions:
Cardiovascular phenotype. Identifiers: MedGen CN230736.
Osteogenesis imperfecta, perinatal lethal (OI2). Also called: OSTEOGENESIS IMPERFECTA, TYPE II; Osteogenesis imperfecta, dominant perinatal lethal; OI, TYPE II; OSTEOGENESIS IMPERFECTA CONGENITA; VROLIK TYPE OF OSTEOGENESIS IMPERFECTA; Osteogenesis imperfecta type 2. Identifiers: Orphanet 216804, MedGen C0268358, MONDO:0008147, OMIM 166210.

Allele frequency attached by ClinVar (database versions not stated): gnomAD exomes below 0.00001; ExAC 0.00001.

Submissions (2):

Ambry Genetics
Classification: Uncertain significance for Cardiovascular phenotype. Last evaluated: 2026-02-22. Review status: criteria provided, single submitter. Criteria: Ambry Variant Classification Scheme 2023. Collection method: clinical testing. Allele origin: germline.
Comment: The p.P1180T variant (also known as c.3538C>A), located in coding exon 48 of the COL1A1 gene, results from a C to A substitution at nucleotide position 3538. The proline at codon 1180 is replaced by threonine, an amino acid with highly similar properties. This amino acid position is conserved. In addition, the in silico prediction for this alteration is inconclusive. Based on the available evidence, the clinical significance of this variant remains unclear.

Genetic Testing Center for Deafness, Department of Otolaryngology Head & Neck Surgery, Institute of Otolaryngology, Chinese PLA General Hospital
Classification: Likely benign for Osteogenesis imperfecta, perinatal lethal. Review status: criteria provided, single submitter. Criteria: ClinGen HL ACMG Specifications v1. Collection method: case-control. Allele origin: paternal. Affected: no. Observed: 2 variant alleles.

NM_000088.4(COL1A1):c.3538C>A (p.Pro1180Thr)

Gene: COL1A1 (collagen type I alpha 1 chain; minus strand). Cytogenetic location: 17q21.33.
Variant type: single nucleotide variant.
Coding change: c.3538C>A on transcript NM_000088.4 (MANE Select); coding-DNA position 3538, C replaced by A.
Protein change: p.Pro1180Thr; replaces proline 1180 with threonine.
Molecular consequence: missense variant.
Genome position (GRCh38, 1-based): chr17:50,186,916, G>T on the plus strand (C>A on the coding strand, the complement: COL1A1 is on the minus strand). VCF-style: chr17-50186916-G-T. GRCh37 (hg19) VCF-style: chr17-48264277-G-T.
Other names: short protein forms P1180T.
Identifiers: ClinVar variation 689608 (VCV000689608.2), dbSNP rs764463806, ClinGen allele CA8644400.